The following is an entry in ClinVar:

ClinVar aggregate classification (germline): Uncertain significance (1 of 4 stars; one submission).

Conditions:
Hereditary cancer-predisposing syndrome. Also called: Tumor predisposition; Neoplastic Syndromes, Hereditary; Hereditary neoplastic syndrome; Hereditary Cancer Syndrome. Identifiers: Orphanet 140162, MedGen C0027672, MeSH D009386, MONDO:0015356.

Submission:

Ambry Genetics
Classification: Uncertain significance for Hereditary cancer-predisposing syndrome. Last evaluated: 2025-08-27. Review status: criteria provided, single submitter. Criteria: Ambry Variant Classification Scheme 2023. Collection method: clinical testing. Allele origin: germline.
Comment: The p.L343R variant (also known as c.1028T>G), located in coding exon 12 of the MUTYH gene, results from a T to G substitution at nucleotide position 1028. The leucine at codon 343 is replaced by arginine, an amino acid with dissimilar properties. This amino acid position is conserved. In addition, this alteration is predicted to be tolerated by in silico analysis. Based on the available evidence, the clinical significance of this variant remains unclear.

NM_001048174.2(MUTYH):c.944T>G (p.Leu315Arg)

Gene: MUTYH (mutY DNA glycosylase; minus strand). Cytogenetic location: 1p34.1.
Variant type: single nucleotide variant.
Coding change: c.944T>G on transcript NM_001048174.2 (MANE Select); coding-DNA position 944, T replaced by G.
Protein change: p.Leu315Arg; replaces leucine 315 with arginine.
Molecular consequence: missense variant. On other transcripts: non-coding transcript variant (7).
Genome position (GRCh38, 1-based): chr1:45,331,819, A>C on the plus strand (T>G on the coding strand, the complement: MUTYH is on the minus strand). VCF-style: chr1-45331819-A-C. GRCh37 (hg19) VCF-style: chr1-45797491-A-C.
Other names: c.1019T>G, p.Leu340Arg (NM_012222.3); c.1028T>G, p.Leu343Arg (NM_001128425.2); c.989T>G, p.Leu330Arg (NM_001293190.2); c.977T>G, p.Leu326Arg (NM_001293191.2, NM_001407069.1, NM_001407077.1); c.668T>G, p.Leu223Arg (NM_001293192.2, NM_001293196.2, NM_001407091.1); c.944T>G, p.Leu315Arg (NM_001293195.2, NM_001407081.1, NM_001407088.1 and 6 more transcripts); c.599T>G, p.Leu200Arg (NM_001350650.2, NM_001407082.1, NM_001350651.2); c.902T>G, p.Leu301Arg (NM_001407080.1); and 5 more; short protein forms L302R, L315R, L322R, L200R, L316R, L326R, L343R, L223R.
Identifiers: ClinVar variation 4112937 (VCV004112937.1).